The following is an entry in ClinVar:

NM_000152.5(GAA):c.1540G>A (p.Gly514Ser)

Gene: GAA (alpha glucosidase; plus strand). Cytogenetic location: 17q25.3.
Variant type: single nucleotide variant.
Coding change: c.1540G>A on transcript NM_000152.5 (MANE Select); coding-DNA position 1540, G replaced by A.
Protein change: p.Gly514Ser; replaces glycine 514 with serine.
Molecular consequence: missense variant.
Genome position (GRCh38, 1-based): chr17:80,110,829, G>A. VCF-style: chr17-80110829-G-A. GRCh37 (hg19) VCF-style: chr17-78084628-G-A.
Other names: c.1540G>A, p.Gly514Ser (NM_001079803.3, NM_001079804.3); short protein forms G514S.
Identifiers: ClinVar variation 929447 (VCV000929447.15), dbSNP rs777571608, ClinGen allele CA8815363.

ClinVar aggregate classification (germline): Uncertain significance. Review status: criteria provided, multiple submitters, no conflicts (2 of 4 stars). 5 submissions from 5 submitters: Uncertain significance (4). 1 of the submissions does not count toward it. Last evaluated 2025-11-13.

Conditions:
Glycogen storage disease, type II (IOPD). Also called: CARDIOMEGALIA GLYCOGENICA DIFFUSA; GLYCOGENOSIS, GENERALIZED, CARDIAC FORM; Glycogen storage disease type 2; Acid maltase deficiency disease; Aglucosidase alfa; Deficiency of alpha-glucosidase. Identifiers: Orphanet 365, MedGen C0017921, MONDO:0009290, OMIM 232300.

Allele frequency attached by ClinVar (database versions not stated): gnomAD below 0.00001 and 0.00001; gnomAD exomes below 0.00001 and 0.00001; TOPMed 0.00001; ExAC 0.00002.
gnomAD v4.1: 5 of 1,613,988 alleles (0.00031%); highest among the groups gnomAD compares: South Asian, 0.0011%; no homozygotes.

Submissions (5):

Myriad Genetics, Inc.
Classification: Uncertain significance for Glycogen storage disease, type II. Last evaluated: 2025-11-13. Review status: criteria provided, single submitter. Criteria: Myriad Autosomal Dominant, Autosomal Recessive and X-Linked Classification Criteria (2023). Collection method: clinical testing. Allele origin: unknown.
Comment: NM_000152.3(GAA):c.1540G>A(G514S) is a missense variant classified as a variant of uncertain significance in the context of Pompe disease. G514S has not been observed in cases with relevant disease. Relevant functional assessments of this variant are not available in the literature. G514S has been observed in referenced population frequency databases. In summary, there is insufficient evidence to classify NM_000152.3(GAA):c.1540G>A(G514S) as pathogenic or benign. Please note: this variant was assessed in the context of healthy population screening.

Genome-Nilou Lab
Classification: Uncertain significance for Glycogen storage disease, type II. Last evaluated: 2021-09-05. Review status: criteria provided, single submitter. Criteria: ACMG Guidelines, 2015. Collection method: clinical testing. Allele origin: germline. Affected: no.

Labcorp Genetics (formerly Invitae), Labcorp
Classification: Uncertain significance for Glycogen storage disease, type II. Last evaluated: 2021-08-30. Review status: criteria provided, single submitter. Criteria: Invitae Variant Classification Sherloc (09022015). Collection method: clinical testing. Allele origin: germline.
Comment: This sequence change replaces glycine with serine at codon 514 of the GAA protein (p.Gly514Ser). The glycine residue is highly conserved and there is a small physicochemical difference between glycine and serine. This variant is present in population databases (rs777571608, ExAC 0.003%). This variant has not been reported in the literature in individuals affected with GAA-related conditions. Algorithms developed to predict the effect of missense changes on protein structure and function are either unavailable or do not agree on the potential impact of this missense change (SIFT: "Tolerated"; PolyPhen-2: "Probably Damaging"; Align-GVGD: "Class C0"). Algorithms developed to predict the effect of sequence changes on RNA splicing suggest that this variant may create or strengthen a splice site. In summary, the available evidence is currently insufficient to determine the role of this variant in disease. Therefore, it has been classified as a Variant of Uncertain Significance.

HudsonAlpha Institute for Biotechnology
Classification: Uncertain significance for Glycogen storage disease, type II. Last evaluated: 2020-04-02. Review status: criteria provided, single submitter. Criteria: ACMG Guidelines, 2015. Collection method: research. Allele origin: paternal. Affected: yes. Observed: 1 variant allele. Study: CSER-SouthSeq.
Comment: ACMG codes: PM2, PP3

Natera, Inc.
Classification: Uncertain significance for Glycogen storage disease type II. Last evaluated: 2020-02-13. Review status: no assertion criteria provided. Collection method: clinical testing. Allele origin: germline. Not counted in ClinVar's aggregate classification.